The following is an entry in ClinVar:

NM_020203.6(MEPE):c.216G>C (p.Leu72Phe)

Genes: MEPE (matrix extracellular phosphoglycoprotein; plus strand), MEPE-AS1 (MEPE and IBSP antisense RNA 1; minus strand). Cytogenetic location: 4q22.1.
Variant type: single nucleotide variant.
Coding change: c.216G>C on transcript NM_020203.6 (MANE Select); coding-DNA position 216, G replaced by C.
Protein change: p.Leu72Phe; replaces leucine 72 with phenylalanine.
Molecular consequence: missense variant. On other transcripts: 5 prime UTR variant (3).
Genome position (GRCh38, 1-based): chr4:87,845,084, G>C. VCF-style: chr4-87845084-G-C. GRCh37 (hg19) VCF-style: chr4-88766236-G-C.
Other names: c.216G>C, p.Leu72Phe (NM_001184694.3); c.-124G>C (NM_001184695.4, NM_001184696.2, NM_001184697.2); c.309G>C, p.Leu103Phe (NM_001291183.2); short protein forms L103F, L72F.
Identifiers: ClinVar variation 3351065 (VCV003351065.1).

ClinVar aggregate classification (germline): Uncertain significance (0 of 4 stars; one submission).

Conditions:
MEPE-related disorder. Also called: MEPE-related condition.

gnomAD v4.1: 11 of 1,613,486 alleles (0.00068%); highest among the groups gnomAD compares: Middle Eastern, 0.033%; no homozygotes.

Submission:

PreventionGenetics, part of Exact Sciences
Classification: Uncertain significance for MEPE-related condition. Last evaluated: 2024-08-08. Review status: no assertion criteria provided. Collection method: clinical testing. Allele origin: germline.
Comment: The MEPE c.309G>C variant is predicted to result in the amino acid substitution p.Leu103Phe. To our knowledge, this variant has not been reported in the literature. This variant is reported in 0.00088% of alleles in individuals of European (Non-Finnish) descent in gnomAD. At this time, the clinical significance of this variant is uncertain due to the absence of conclusive functional and genetic evidence.